The following is an entry in ClinVar:

NM_017636.4(TRPM4):c.2239C>T (p.Leu747=)

Gene: TRPM4 (transient receptor potential cation channel subfamily M member 4; plus strand). Cytogenetic location: 19q13.33.
Variant type: single nucleotide variant.
Coding change: c.2239C>T on transcript NM_017636.4 (MANE Select); coding-DNA position 2239, C replaced by T.
Protein change: p.Leu747=; no amino-acid change (leucine 747 retained).
Molecular consequence: synonymous variant. On other transcripts: intron variant (1).
Genome position (GRCh38, 1-based): chr19:49,196,468, C>T. VCF-style: chr19-49196468-C-T. GRCh37 (hg19) VCF-style: chr19-49699725-C-T.
Other names: c.1894C>T, p.Leu632= (NM_001321281.2); c.631C>T, p.Leu211= (NM_001321282.2); c.1717C>T, p.Leu573= (NM_001321283.2); c.1177C>T, p.Leu393= (NM_001321285.2); c.2211-3832C>T (NM_001195227.2).
Identifiers: ClinVar variation 5037812 (VCV005037812.1).

ClinVar aggregate classification (germline): Likely benign (1 of 4 stars; one submission).

Submission:

Molecular Diagnostic Laboratory for Inherited Cardiovascular Disease, Montreal Heart Institute
Classification: Likely benign. Last evaluated: 2026-09-21. Review status: criteria provided, single submitter. Criteria: ACMG Guidelines, 2015. Collection method: clinical testing. Allele origin: germline. Affected: no.
Comment: BP7